The following is an entry in ClinVar:

NM_018180.3(DHX32):c.1437C>G (p.Ile479Met)

Genes: BCCIP (BRCA2 and CDKN1A interacting protein; plus strand), DHX32 (DEAH-box helicase 32 (putative); minus strand). Cytogenetic location: 10q26.2.
Variant type: single nucleotide variant.
Coding change: c.1437C>G on transcript NM_018180.3 (MANE Select); coding-DNA position 1437, C replaced by G.
Protein change: p.Ile479Met; replaces isoleucine 479 with methionine.
Molecular consequence: missense variant. On other transcripts: 3 prime UTR variant (1), intron variant (1).
Genome position (GRCh38, 1-based): chr10:125,841,849, G>C on the plus strand (C>G on the coding strand, the complement: DHX32 is on the minus strand). VCF-style: chr10-125841849-G-C. GRCh37 (hg19) VCF-style: chr10-127530418-G-C.
Other names: c.*490G>C (NM_078469.3); c.850+519G>C (NM_016567.4); short protein forms I479M.
Identifiers: ClinVar variation 3687358 (VCV003687358.2).

ClinVar aggregate classification (germline): Uncertain significance (1 of 4 stars; one submission).

gnomAD v4.1: 1 of 1,613,716 alleles (0.000062%); highest among the groups gnomAD compares: Middle Eastern, 0.016%; no homozygotes.

Submission:

Labcorp Genetics (formerly Invitae), Labcorp
Classification: Uncertain significance. Last evaluated: 2024-04-30. Review status: criteria provided, single submitter. Criteria: Invitae Variant Classification Sherloc (09022015). Collection method: clinical testing. Allele origin: germline.
Comment: This sequence change replaces isoleucine, which is neutral and non-polar, with methionine, which is neutral and non-polar, at codon 479 of the DHX32 protein (p.Ile479Met). This variant is present in population databases (rs774523614, gnomAD 0.0009%). This variant has not been reported in the literature in individuals affected with DHX32-related conditions. An algorithm developed to predict the effect of missense changes on protein structure and function (PolyPhen-2) suggests that this variant is likely to be disruptive. In summary, the available evidence is currently insufficient to determine the role of this variant in disease. Therefore, it has been classified as a Variant of Uncertain Significance.